The following is an entry in ClinVar:

ClinVar aggregate classification (germline): Uncertain significance. Review status: criteria provided, multiple submitters, no conflicts (2 of 4 stars). 5 submissions from 5 submitters: Uncertain significance (5). Last evaluated 2024-12-30.

Conditions:
Epidermolysis bullosa simplex, Ogna type (EBS5A). Also called: Pidermolysis bullosa simplex 5A, Ogna type; EPIDERMOLYSIS BULLOSA SIMPLEX 5A, OGNA TYPE. Identifiers: Orphanet 79401, MedGen C0432317, MONDO:0007555, OMIM 131950.
Epidermolysis bullosa simplex 5C, with pyloric atresia (EBS5C). Also called: PLEC1-Related Epidermolysis Bullosa with Pyloric Atresia; PLEC-Related Epidermolysis Bullosa with Pyloric Atresia; Epidermolysis bullosa simplex with pyloric atresia. Identifiers: Orphanet 158684, MedGen C2677349, MONDO:0012807, OMIM 612138.
Autosomal recessive limb-girdle muscular dystrophy type 2Q (LGMDR17). Also called: MUSCULAR DYSTROPHY, LIMB-GIRDLE, AUTOSOMAL RECESSIVE 17. Identifiers: Orphanet 254361, MedGen C3150989, MONDO:0013390, OMIM 613723.
Epidermolysis bullosa simplex with nail dystrophy (EBS5D). Identifiers: MedGen C4225309, MONDO:0014661, OMIM 616487.
Epidermolysis bullosa simplex 5B, with muscular dystrophy (EBS5B). Also called: EPIDERMOLYSIS BULLOSA SIMPLEX AND LIMB-GIRDLE MUSCULAR DYSTROPHY; Epidermolysis bullosa simplex with muscular dystrophy. Identifiers: Orphanet 257, MedGen C2931072, MONDO:0009181, OMIM 226670.
Inborn genetic diseases. Identifiers: MedGen C0950123, MeSH D030342.

Allele frequency attached by ClinVar (database versions not stated): gnomAD 0.00001; TOPMed 0.00001; ExAC 0.00002; gnomAD exomes 0.00004; 1000 Genomes Project 30x 0.00016; 1000 Genomes Project 0.00020.
gnomAD v4.1: 29 of 1,599,860 alleles (0.0018%); highest among the groups gnomAD compares: Admixed American, 0.017%; no homozygotes.

Submissions (5):

Ambry Genetics
Classification: Uncertain significance for Inborn genetic diseases. Last evaluated: 2024-12-30. Review status: criteria provided, single submitter. Criteria: Ambry Variant Classification Scheme 2023. Collection method: clinical testing. Allele origin: germline.

Blueprint Genetics
Classification: Uncertain significance. Last evaluated: 2024-09-25. Review status: criteria provided, single submitter. Criteria: ACMG Guidelines, 2015. Collection method: clinical testing. Allele origin: germline.

Labcorp Genetics (formerly Invitae), Labcorp
Classification: Uncertain significance for Autosomal recessive limb-girdle muscular dystrophy type 2Q; Epidermolysis bullosa simplex, Ogna type; Epidermolysis bullosa simplex with nail dystrophy; Epidermolysis bullosa simplex 5C, with pyloric atresia; Epidermolysis bullosa simplex 5B, with muscular dystrophy. Last evaluated: 2024-07-27. Review status: criteria provided, single submitter. Criteria: Invitae Variant Classification Sherloc (09022015). Collection method: clinical testing. Allele origin: germline.
Comment: This sequence change replaces proline, which is neutral and non-polar, with arginine, which is basic and polar, at codon 975 of the PLEC protein (p.Pro975Arg). This variant is present in population databases (rs537345370, gnomAD 0.02%). This variant has not been reported in the literature in individuals affected with PLEC-related conditions. ClinVar contains an entry for this variant (Variation ID: 961642). Advanced modeling of protein sequence and biophysical properties (such as structural, functional, and spatial information, amino acid conservation, physicochemical variation, residue mobility, and thermodynamic stability) performed at Invitae indicates that this missense variant is not expected to disrupt PLEC protein function with a negative predictive value of 80%. In summary, the available evidence is currently insufficient to determine the role of this variant in disease. Therefore, it has been classified as a Variant of Uncertain Significance.

Athena Diagnostics
Classification: Uncertain significance. Last evaluated: 2020-04-20. Review status: criteria provided, single submitter. Criteria: Athena Diagnostics Criteria. Collection method: clinical testing. Allele origin: unknown.

Revvity Omics, Revvity
Classification: Uncertain significance. Last evaluated: 2019-05-17. Review status: criteria provided, single submitter. Criteria: ACMG Guidelines, 2015. Collection method: clinical testing. Allele origin: germline.

NM_201384.3(PLEC):c.2843C>G (p.Pro948Arg)

Gene: PLEC (plectin; minus strand). Cytogenetic location: 8q24.3.
Variant type: single nucleotide variant.
Coding change: c.2843C>G on transcript NM_201384.3 (MANE Select); coding-DNA position 2843, C replaced by G.
Protein change: p.Pro948Arg; replaces proline 948 with arginine.
Molecular consequence: missense variant.
Genome position (GRCh38, 1-based): chr8:143,929,726, G>C on the plus strand (C>G on the coding strand, the complement: PLEC is on the minus strand). VCF-style: chr8-143929726-G-C. GRCh37 (hg19) VCF-style: chr8-145003894-G-C.
Other names: c.2924C>G, p.Pro975Arg (NM_000445.5); c.2801C>G, p.Pro934Arg (NM_201378.4); c.2777C>G, p.Pro926Arg (NM_201379.3); c.3254C>G, p.Pro1085Arg (NM_201380.4); c.2747C>G, p.Pro916Arg (NM_201381.3); c.2843C>G, p.Pro948Arg (NM_201382.4); c.2855C>G, p.Pro952Arg (NM_201383.3); short protein forms P948R, P916R, P952R, P1085R, P926R, P934R, P975R.
Identifiers: ClinVar variation 961642 (VCV000961642.12), dbSNP rs537345370, ClinGen allele CA4927323.